The following is an entry in ClinVar:

NM_001291303.3(FAT4):c.5260G>A (p.Gly1754Arg)

Gene: FAT4 (FAT atypical cadherin 4; plus strand). Cytogenetic location: 4q28.1.
Variant type: single nucleotide variant.
Coding change: c.5260G>A on transcript NM_001291303.3 (MANE Select); coding-DNA position 5260, G replaced by A.
Protein change: p.Gly1754Arg; replaces glycine 1754 with arginine.
Molecular consequence: missense variant.
Genome position (GRCh38, 1-based): chr4:125,398,868, G>A. VCF-style: chr4-125398868-G-A. GRCh37 (hg19) VCF-style: chr4-126320023-G-A.
Other names: c.5260G>A, p.Gly1754Arg (NM_001291285.3, NM_024582.6); short protein forms G1754R.
Identifiers: ClinVar variation 3619548 (VCV003619548.2).

ClinVar aggregate classification (germline): Uncertain significance (1 of 4 stars; one submission).

Submission:

Labcorp Genetics (formerly Invitae), Labcorp
Classification: Uncertain significance. Last evaluated: 2024-06-20. Review status: criteria provided, single submitter. Criteria: Invitae Variant Classification Sherloc (09022015). Collection method: clinical testing. Allele origin: germline.
Comment: This sequence change replaces glycine, which is neutral and non-polar, with arginine, which is basic and polar, at codon 1754 of the FAT4 protein (p.Gly1754Arg). This variant is not present in population databases (gnomAD no frequency). This variant has not been reported in the literature in individuals affected with FAT4-related conditions. Advanced modeling of protein sequence and biophysical properties (such as structural, functional, and spatial information, amino acid conservation, physicochemical variation, residue mobility, and thermodynamic stability) has been performed at Invitae for this missense variant, however the output from this modeling did not meet the statistical confidence thresholds required to predict the impact of this variant on FAT4 protein function. In summary, the available evidence is currently insufficient to determine the role of this variant in disease. Therefore, it has been classified as a Variant of Uncertain Significance.